The following is an entry in ClinVar:

NM_002291.3(LAMB1):c.2315-279G>A

Gene: LAMB1 (laminin subunit beta 1; minus strand). Cytogenetic location: 7q31.1.
Variant type: single nucleotide variant.
Coding change: c.2315-279G>A on transcript NM_002291.3 (MANE Select); 279 bases into the intron before coding-DNA position 2315, G replaced by A.
Molecular consequence: intron variant.
Genome position (GRCh38, 1-based): chr7:107,960,113, C>T on the plus strand (G>A on the coding strand, the complement: LAMB1 is on the minus strand). VCF-style: chr7-107960113-C-T. GRCh37 (hg19) VCF-style: chr7-107600558-C-T.
Identifiers: ClinVar variation 681223 (VCV000681223.1), dbSNP rs2528650, ClinGen allele CA15497550.

ClinVar aggregate classification (germline): Benign (1 of 4 stars; one submission).

Allele frequency attached by ClinVar (database versions not stated): 1000 Genomes Project 30x 0.32230; 1000 Genomes Project 0.32268; TOPMed 0.34675; gnomAD 0.35658 and 0.35961.
gnomAD v4.1: 54,154 of 151,928 alleles (36%); highest among the groups gnomAD compares: Non-Finnish European, 37%; 9,764 homozygotes.

Submission:

GeneDx
Classification: Benign. Last evaluated: 2018-06-14. Review status: criteria provided, single submitter. Criteria: GeneDx Variant Classification (06012015). Collection method: clinical testing. Allele origin: germline. Affected: yes.
Comment: This variant is considered likely benign or benign based on one or more of the following criteria: it is a conservative change, it occurs at a poorly conserved position in the protein, it is predicted to be benign by multiple in silico algorithms, and/or has population frequency not consistent with disease.